The following is an entry in ClinVar:

NM_033641.4(COL4A6):c.2687-4A>G

Gene: COL4A6 (collagen type IV alpha 6 chain; minus strand). Cytogenetic location: Xq22.3.
Variant type: single nucleotide variant.
Coding change: c.2687-4A>G on transcript NM_033641.4 (MANE Select); 4 bases into the intron before coding-DNA position 2687, A replaced by G.
Molecular consequence: intron variant.
Genome position (GRCh38, 1-based): chrX:108,175,801, T>C on the plus strand (A>G on the coding strand, the complement: COL4A6 is on the minus strand). VCF-style: chrX-108175801-T-C. GRCh37 (hg19) VCF-style: chrX-107419031-T-C.
Other names: c.2690-4A>G (NM_001847.4); c.2687-4A>G (NM_001287760.2, NM_001287759.2); c.2738-4A>G (NM_001287758.2).
Identifiers: ClinVar variation 1378655 (VCV001378655.6), dbSNP rs755180040, ClinGen allele CA10487575.
Genomic context (GRCh38, chrX:108,175,801, plus strand): 5'-TACCAGGCAGACCTGGTATTCCTGGAAAACCTACGAATCCAACAGACCCCTTCTCTCCTG[T>C]TGAAAAACAAGAACTTTTATTATCACTCCCATTTTACATACCAGGAAATGGAGGCTCAGG-3'

ClinVar aggregate classification (germline): Uncertain significance (1 of 4 stars; one submission).

Allele frequency attached by ClinVar (database versions not stated): gnomAD exomes 0.00001 and 0.00003; ExAC 0.00004.
gnomAD v4.1: 14 of 1,187,336 alleles (0.0012%); highest among the groups gnomAD compares: South Asian, 0.026%; no homozygotes.

Submission:

Labcorp Genetics (formerly Invitae), Labcorp
Classification: Uncertain significance. Last evaluated: 2021-08-30. Review status: criteria provided, single submitter. Criteria: Invitae Variant Classification Sherloc (09022015). Collection method: clinical testing. Allele origin: germline.
Comment: This sequence change falls in intron 28 of the COL4A6 gene. It does not directly change the encoded amino acid sequence of the COL4A6 protein. This variant is present in population databases (rs755180040, ExAC 0.03%). This variant has not been reported in the literature in individuals affected with COL4A6-related conditions. Algorithms developed to predict the effect of sequence changes on RNA splicing suggest that this variant may disrupt the consensus splice site. In summary, the available evidence is currently insufficient to determine the role of this variant in disease. Therefore, it has been classified as a Variant of Uncertain Significance.